The following is an entry in ClinVar:

ClinVar aggregate classification (germline): Conflicting classifications of pathogenicity. Review status: criteria provided, conflicting classifications (1 of 4 stars). 8 submissions from 7 submitters: Uncertain significance (5); Benign (2). 1 of the submissions does not count toward it. Last evaluated 2025-10-28.

Conditions:
Autosomal recessive nonsyndromic hearing loss 21. Identifiers: Orphanet 90636, MedGen C1863655, MONDO:0011351, OMIM 603629.
Inborn genetic diseases. Identifiers: MedGen C0950123, MeSH D030342.
Autosomal dominant nonsyndromic hearing loss 12. Also called: DEAFNESS, AUTOSOMAL DOMINANT 8. Identifiers: Orphanet 90635, MedGen C1832187, MONDO:0011102, OMIM 601543.
TECTA-related disorder. Also called: TECTA-related condition.

Allele frequency attached by ClinVar (database versions not stated): TOPMed 0.00011; gnomAD 0.00026 and 0.00027; 1000 Genomes Project 30x 0.00031; gnomAD exomes 0.00034 and 0.00047; 1000 Genomes Project 0.00040; ExAC 0.00046.
gnomAD v4.1: 524 of 1,614,184 alleles (0.032%); highest among the groups gnomAD compares: Non-Finnish European, 0.023%; 1 homozygote.

Submissions (8):

GeneDx
Classification: Uncertain significance. Last evaluated: 2025-10-28. Review status: criteria provided, single submitter. Criteria: GeneDx Variant Classification Process June 2021. Collection method: clinical testing. Allele origin: germline. Affected: yes.
Comment: Located in the zona adhesion domain (PMID: 31554319, 9590290, 21520338); In silico analysis suggests that this missense variant does not alter protein structure/function; Has not been previously published as pathogenic or benign to our knowledge; This variant is associated with the following publications: (PMID: 31554319, 9590290, 21520338)

Blueprint Genetics
Classification: Uncertain significance. Last evaluated: 2024-11-07. Review status: criteria provided, single submitter. Criteria: ACMG Guidelines, 2015. Collection method: clinical testing. Allele origin: germline.

Labcorp Genetics (formerly Invitae), Labcorp
Classification: Benign. Last evaluated: 2023-04-09. Review status: criteria provided, single submitter. Criteria: Invitae Variant Classification Sherloc (09022015). Collection method: clinical testing. Allele origin: germline.

CeGaT Center for Human Genetics Tuebingen
Classification: Uncertain significance. Last evaluated: 2022-10-01. Review status: criteria provided, single submitter. Criteria: CeGaT Center For Human Genetics Tuebingen Variant Classification Criteria Version 2. Collection method: clinical testing. Allele origin: germline. Affected: yes. Observed: 1 variant allele.
Comment: TECTA: PP3

Ambry Genetics
Classification: Uncertain significance for Inborn genetic diseases. Last evaluated: 2021-09-22. Review status: criteria provided, single submitter. Criteria: Ambry Variant Classification Scheme 2023. Collection method: clinical testing. Allele origin: germline.

Illumina Laboratory Services, Illumina
Classification: Uncertain significance for Autosomal recessive nonsyndromic hearing loss 21. Last evaluated: 2017-04-27. Review status: criteria provided, single submitter. Criteria: ICSL Variant Classification Criteria 13 December 2019. Collection method: clinical testing. Allele origin: germline.

Illumina Laboratory Services, Illumina
Classification: Benign for Autosomal dominant nonsyndromic hearing loss 12. Last evaluated: 2017-04-27. Review status: criteria provided, single submitter. Criteria: ICSL Variant Classification Criteria 13 December 2019. Collection method: clinical testing. Allele origin: germline.
Comment: This variant was observed as part of a predisposition screen in an ostensibly healthy population. A literature search was performed for the gene, cDNA change, and amino acid change (where applicable). No publications were found based on this search. Allele frequency data from public databases was too high to be consistent with this variant causing disease. Therefore, this variant is classified as benign.

PreventionGenetics, part of Exact Sciences
Classification: Likely benign for TECTA-related condition. Last evaluated: 2023-12-10. Review status: no assertion criteria provided. Collection method: clinical testing. Allele origin: germline. Not counted in ClinVar's aggregate classification.
Comment: This variant is classified as likely benign based on ACMG/AMP sequence variant interpretation guidelines (Richards et al. 2015 PMID: 25741868, with internal and published modifications).

NM_005422.4(TECTA):c.1651G>A (p.Val551Met)

Genes: TBCEL-TECTA (TBCEL-TECTA readthrough; plus strand), TECTA (tectorin alpha; plus strand). Cytogenetic location: 11q23.3.
Variant type: single nucleotide variant.
Coding change: c.1651G>A on transcript NM_005422.4 (MANE Select); coding-DNA position 1651, G replaced by A.
Protein change: p.Val551Met; replaces valine 551 with methionine.
Molecular consequence: missense variant.
Genome position (GRCh38, 1-based): chr11:121,125,749, G>A. VCF-style: chr11-121125749-G-A. GRCh37 (hg19) VCF-style: chr11-120996458-G-A.
Other names: short protein forms V551M.
Identifiers: ClinVar variation 880382 (VCV000880382.42), dbSNP rs200857366, ClinGen allele CA6326795.
Genomic context (GRCh38, chr11:121,125,749, plus strand): 5'-GACGGCCCTCTGTGGGAGTGTGGCACTGTCGTGGACCCCACTGCTTTTGTGCACAGCTGC[G>A]TGTATGACCTGTGCAGTGTGAGGGACAATGGCACGCTCCTCTGCCAAGCCATCCAGGCCT-3'
Protein context (NP_005413.2, residues 541-561): VDPTAFVHSC[Val551Met]YDLCSVRDNG